The following is an entry in ClinVar:

NM_018474.6(KIZ):c.1317A>G (p.Ser439=)

Gene: KIZ (kizuna centrosomal protein; plus strand). Cytogenetic location: 20p11.23.
Variant type: single nucleotide variant.
Coding change: c.1317A>G on transcript NM_018474.6 (MANE Select); coding-DNA position 1317, A replaced by G.
Protein change: p.Ser439=; no amino-acid change (serine 439 retained).
Molecular consequence: synonymous variant.
Genome position (GRCh38, 1-based): chr20:21,163,124, A>G. VCF-style: chr20-21163124-A-G. GRCh37 (hg19) VCF-style: chr20-21143765-A-G.
Other names: c.1008A>G, p.Ser336= (NM_001163022.3, NM_001352435.2); c.918A>G, p.Ser306= (NM_001163023.3); c.1170A>G, p.Ser390= (NM_001276389.2); c.1317A>G, p.Ser439= (NM_001352434.2); c.975A>G, p.Ser325= (NM_001352436.2).
Identifiers: ClinVar variation 3036761 (VCV003036761.2), dbSNP rs756421966, ClinGen allele CA9784812.

ClinVar aggregate classification (germline): Likely benign (0 of 4 stars; one submission).

Conditions:
KIZ-related disorder. Also called: KIZ-related condition.

Allele frequency attached by ClinVar (database versions not stated): TOPMed 0.00001; ExAC 0.00002; gnomAD exomes 0.00002; gnomAD 0.00003.
gnomAD v4.1: 34 of 1,612,718 alleles (0.0021%); highest among the groups gnomAD compares: Non-Finnish European, 0.0028%; 1 homozygote.

Submission:

PreventionGenetics, part of Exact Sciences
Classification: Likely benign for KIZ-related condition. Last evaluated: 2022-04-25. Review status: no assertion criteria provided. Collection method: clinical testing. Allele origin: germline.
Comment: This variant is classified as likely benign based on ACMG/AMP sequence variant interpretation guidelines (Richards et al. 2015 PMID: 25741868, with internal and published modifications).